The following is an entry in ClinVar:

NM_016004.5(IFT52):c.921C>T (p.Ile307=)

Gene: IFT52 (intraflagellar transport 52; plus strand). Cytogenetic location: 20q13.12.
Variant type: single nucleotide variant.
Coding change: c.921C>T on transcript NM_016004.5 (MANE Select); coding-DNA position 921, C replaced by T.
Protein change: p.Ile307=; no amino-acid change (isoleucine 307 retained).
Molecular consequence: synonymous variant.
Genome position (GRCh38, 1-based): chr20:43,624,043, C>T. VCF-style: chr20-43624043-C-T. GRCh37 (hg19) VCF-style: chr20-42252683-C-T.
Other names: NC_000020.10:g.42252683C>T; c.921C>T, p.Ile307= (NM_001303458.3, NM_001303459.3); c.393C>T, p.Ile131= (NM_001323578.2, NM_001323580.2); c.270C>T, p.Ile90= (NM_001323579.2, NM_001323581.2).
Identifiers: ClinVar variation 3040968 (VCV003040968.3), dbSNP rs1199174261, ClinGen allele CA510563240.

ClinVar aggregate classification (germline): Likely benign (0 of 4 stars; one submission).

Conditions:
IFT52-related disorder. Also called: IFT52-related condition.

Allele frequency attached by ClinVar (database versions not stated): TOPMed 0.00001.
gnomAD v4.1: 1 of 1,613,938 alleles (0.000062%); highest among the groups gnomAD compares: Middle Eastern, 0.017%; no homozygotes.

Submissions (2):

PreventionGenetics, part of Exact Sciences
Classification: Likely benign for IFT52-related condition. Last evaluated: 2019-09-17. Review status: no assertion criteria provided. Collection method: clinical testing. Allele origin: germline.
Comment: This variant is classified as likely benign based on ACMG/AMP sequence variant interpretation guidelines (Richards et al. 2015 PMID: 25741868, with internal and published modifications).

Dr. Peter K. Rogan Lab, Western University
No classification provided (evidence only). Condition: Glioma susceptibility 1. Review status: no classification provided. Collection method: in vitro. Allele origin: not applicable. Functional consequence: retained intron. Not counted in ClinVar's aggregate classification.